The following is an entry in ClinVar:

ClinVar aggregate classification (germline): Conflicting classifications of pathogenicity. Review status: criteria provided, conflicting classifications (1 of 4 stars). 2 submissions from 2 submitters: Likely pathogenic (1); Uncertain significance (1). Last evaluated 2025-04-17.

Conditions:
EXT1-related disorder. Also called: EXT1-related condition.
Multiple congenital exostosis (EXT). Also called: Hereditary multiple exostoses; Hereditary multiple exostosis; Multiple exostoses; Hereditary multiple osteochondromas; MULTIPLE CARTILAGINOUS EXOSTOSES; Multiple osteochondromas. Identifiers: Orphanet 321, MedGen C0015306, MONDO:0005508, HP:0002762.

Submissions (2):

PreventionGenetics, part of Exact Sciences
Classification: Uncertain significance for EXT1-related condition. Last evaluated: 2025-04-17. Review status: criteria provided, single submitter. Criteria: ACMG Guidelines, 2015. Collection method: clinical testing. Allele origin: germline.
Comment: The EXT1 c.1000T>C variant is predicted to result in the amino acid substitution p.Cys334Arg. To our knowledge, this variant has not been reported in the literature or in a large population database (gnomAD), indicating this variant is rare. At this time, the clinical significance of this variant is uncertain due to the absence of conclusive functional and genetic evidence.

Labcorp Genetics (formerly Invitae), Labcorp
Classification: Likely pathogenic for Multiple congenital exostosis. Last evaluated: 2024-05-20. Review status: criteria provided, single submitter. Criteria: Invitae Variant Classification Sherloc (09022015). Collection method: clinical testing. Allele origin: germline.
Comment: This sequence change replaces cysteine, which is neutral and slightly polar, with arginine, which is basic and polar, at codon 334 of the EXT1 protein (p.Cys334Arg). This variant is not present in population databases (gnomAD no frequency). This missense change has been observed in individual(s) with hereditary multiple osteochondromatosis (Invitae). ClinVar contains an entry for this variant (Variation ID: 641444). Advanced modeling of protein sequence and biophysical properties (such as structural, functional, and spatial information, amino acid conservation, physicochemical variation, residue mobility, and thermodynamic stability) performed at Invitae indicates that this missense variant is expected to disrupt EXT1 protein function with a positive predictive value of 80%. In summary, the currently available evidence indicates that the variant is pathogenic, but additional data are needed to prove that conclusively. Therefore, this variant has been classified as Likely Pathogenic.

NM_000127.3(EXT1):c.1000T>C (p.Cys334Arg)

Gene: EXT1 (exostosin glycosyltransferase 1; minus strand). Cytogenetic location: 8q24.11.
Variant type: single nucleotide variant.
Coding change: c.1000T>C on transcript NM_000127.3 (MANE Select); coding-DNA position 1000, T replaced by C.
Protein change: p.Cys334Arg; replaces cysteine 334 with arginine.
Molecular consequence: missense variant.
Genome position (GRCh38, 1-based): chr8:117,837,164, A>G on the plus strand (T>C on the coding strand, the complement: EXT1 is on the minus strand). VCF-style: chr8-117837164-A-G. GRCh37 (hg19) VCF-style: chr8-118849403-A-G.
Other names: short protein forms C334R.
Identifiers: ClinVar variation 641444 (VCV000641444.9), dbSNP rs1587004341, ClinGen allele CA371893320.